The following is an entry in ClinVar:

ClinVar aggregate classification (germline): Likely pathogenic. Review status: criteria provided, multiple submitters, no conflicts (2 of 4 stars). 3 submissions from 3 submitters: Likely pathogenic (3). Last evaluated 2025-09-23.

Conditions:
Juberg-Hayward syndrome (JHS). Also called: Cleft lip/palate with abnormal thumbs and microcephaly; OROCRANIODIGITAL SYNDROME. Identifiers: Orphanet 2319, MedGen C0796099, MONDO:0008992, OMIM 216100.
Roberts-SC phocomelia syndrome (RBS). Also called: ESCO2 Spectrum Disorder; Pseudothalidomide syndrome; Hypomelia hypotrichosis facial hemangioma syndrome; LONG BONE DEFICIENCIES ASSOCIATED WITH CLEFT LIP-PALATE; Appelt-Gerken-Lenz syndrome. Identifiers: Orphanet 3103, MedGen C0392475, MONDO:0100253, OMIM 268300.

Submissions (3):

Natera, Inc.
Classification: Likely pathogenic for Roberts syndrome. Last evaluated: 2025-09-23. Review status: criteria provided, single submitter. Criteria: Natera Variant Classification Schema (03/2026). Collection method: clinical testing. Allele origin: germline.
Comment: The c.1622delT variant in ESCO2 is a frameshift variant predicted to shift the reading frame beginning at codon 541 and leads to a stop codon 3 codons downstream. This variant is expected to result in nonsense mediated decay, truncation, or a dysfunctional protein product. This variant is rare in the general population with a frequency below the threshold expected for the associated phenotype(s). Given the available evidence, this variant is classified as Likely Pathogenic.

Fulgent Genetics
Classification: Likely pathogenic for Juberg-Hayward syndrome; Roberts-SC phocomelia syndrome. Last evaluated: 2024-06-04. Review status: criteria provided, single submitter. Criteria: ACMG Guidelines, 2015. Collection method: clinical testing. Allele origin: germline.

Revvity Omics, Revvity
Classification: Likely pathogenic. Last evaluated: 2021-12-06. Review status: criteria provided, single submitter. Criteria: ACMG Guidelines, 2015. Collection method: clinical testing. Allele origin: germline.

NM_001017420.3(ESCO2):c.1622del (p.Phe541fs)

Gene: ESCO2 (establishment of sister chromatid cohesion N-acetyltransferase 2; plus strand). Cytogenetic location: 8p21.1.
Variant type: Deletion.
Coding change: c.1622del on transcript NM_001017420.3 (MANE Select); coding-DNA position 1622, one base deleted (T; older notation c.1622delT).
Protein change: p.Phe541fs; shifts the reading frame from phenylalanine 541.
Molecular consequence: frameshift variant.
Genome position (GRCh38, 1-based): chr8:27,799,665, T deleted; the last of 4 consecutive T bases (chr8:27,799,662-27,799,665); deleting any one gives the same sequence. VCF-style (leftmost placement, unchanged base first): chr8-27799661-GT-G. GRCh37 (hg19) VCF-style: chr8-27657178-GT-G.
Other names: c.1622delT (NM_001017420.2); short protein forms F541fs.
Identifiers: ClinVar variation 2440098 (VCV002440098.5), dbSNP rs1208433027, ClinGen allele CA850414679.
Genomic context (GRCh38, chr8:27,799,661, plus strand): 5'-AGGGCTTGGCAATGTTCAGATGTACCAGAACCTGCAGTCTGTGGGATAAGTAGAATCTGG[GT>G]TTTCAGACTGAAGAGAAGAAAGCGCATTGCAAGACGACTGGTTGATACCCTCAGGTAAGA-3'